The following is an entry in ClinVar:

ClinVar aggregate classification (germline): Uncertain significance (1 of 4 stars; one submission).

Conditions:
Chédiak-Higashi syndrome (CHS). Also called: Chediak-Higashi Syndrome. Identifiers: Orphanet 167, MedGen C0007965, MONDO:0008963, OMIM 214500.

Allele frequency attached by ClinVar (database versions not stated): gnomAD exomes below 0.00001.
gnomAD v4.1: 3 of 1,613,556 alleles (0.00019%); highest among the groups gnomAD compares: Admixed American, 0.0033%; no homozygotes.

Submission:

Labcorp Genetics (formerly Invitae), Labcorp
Classification: Uncertain significance for Chédiak-Higashi syndrome. Last evaluated: 2021-04-02. Review status: criteria provided, single submitter. Criteria: Invitae Variant Classification Sherloc (09022015). Collection method: clinical testing. Allele origin: germline.
Comment: This sequence change replaces valine with methionine at codon 3634 of the LYST protein (p.Val3634Met). The valine residue is moderately conserved and there is a small physicochemical difference between valine and methionine. This variant is not present in population databases (ExAC no frequency). In summary, the available evidence is currently insufficient to determine the role of this variant in disease. Therefore, it has been classified as a Variant of Uncertain Significance. Algorithms developed to predict the effect of missense changes on protein structure and function are either unavailable or do not agree on the potential impact of this missense change (SIFT: "Deleterious"; PolyPhen-2: "Probably Damaging"; Align-GVGD: "Class C0"). This variant has not been reported in the literature in individuals with LYST-related conditions.

NM_000081.4(LYST):c.10900G>A (p.Val3634Met)

Gene: LYST (lysosomal trafficking regulator; minus strand). Cytogenetic location: 1q42.3.
Variant type: single nucleotide variant.
Coding change: c.10900G>A on transcript NM_000081.4 (MANE Select); coding-DNA position 10900, G replaced by A.
Protein change: p.Val3634Met; replaces valine 3634 with methionine.
Molecular consequence: missense variant.
Genome position (GRCh38, 1-based): chr1:235,677,520, C>T on the plus strand (G>A on the coding strand, the complement: LYST is on the minus strand). VCF-style: chr1-235677520-C-T. GRCh37 (hg19) VCF-style: chr1-235840820-C-T.
Other names: c.10900G>A, p.Val3634Met (NM_001301365.1); short protein forms V3634M.
Identifiers: ClinVar variation 1348365 (VCV001348365.7), dbSNP rs1291892090, ClinGen allele CA344921765.